The following is an entry in ClinVar:

ClinVar aggregate classification (germline): Pathogenic/Likely pathogenic. Review status: criteria provided, multiple submitters, no conflicts (2 of 4 stars). 43 submissions from 41 submitters: Pathogenic (34); Likely pathogenic (6). 3 of the submissions do not count toward it. Last evaluated 2026-09-10.

Conditions:
COL4A5-related disorder. Also called: COL4A5-related condition.
COL4A5-related disorders.
Monogenic hearing loss.
Inborn genetic diseases. Identifiers: MedGen C0950123, MeSH D030342.
Alport syndrome. Also called: Hemorrhagic familial nephritis; Hemorrhagic hereditary nephritis; Congenital hereditary hematuria. Identifiers: Orphanet 63, MedGen C1567741, MONDO:0018965.
X-linked Alport syndrome (ATS1). Also called: COL4A5-Related Nephropathy; NEPHROPATHY AND DEAFNESS, X-LINKED. Identifiers: Orphanet 63, Orphanet 88917, MedGen C4746986, MONDO:0010520, OMIM 301050.
Hypertensive disorder. Also called: Hypertension. Identifiers: MedGen C0020538, MONDO:0005044, HP:0000822.
Glomerulopathy. Also called: Glomerulopathies; Glomerular disease; Glomerular disorder. Identifiers: Orphanet 93548, MedGen C0268731, MONDO:0019722, HP:0100820.
Mild proteinuria. Identifiers: MedGen C4022832, HP:0012595.
Hematuria. Identifiers: MedGen C0018965, HP:0000790.

Allele frequency attached by ClinVar (database versions not stated): gnomAD 0.00005 and 0.00006; gnomAD exomes 0.00005 and 0.00009; ExAC 0.00008; TOPMed 0.00009; ESP Exome Variant Server 0.00009.
gnomAD v4.1: 56 of 1,209,813 alleles (0.0046%); highest among the groups gnomAD compares: Non-Finnish European, 0.0061%; no homozygotes.

Submissions 1 to 8 of 43:

Genetics Laboratory, Great Ormond Street Hospital NHS Foundation Trust, North Thames Genomic Laboratory Hub
Classification: Likely pathogenic for Haematuria. Last evaluated: 2026-09-10. Review status: criteria provided, single submitter. Criteria: ACGS Best Practice Guidelines for Variant Classification in Rare Disease 2024 v1.2. Collection method: clinical testing. Allele origin: germline. Affected: yes.
Comment: PP3_supporting, PM1_strong, PM3_supporting, PP4_supporting

CeGaT Center for Human Genetics Tuebingen
Classification: Pathogenic. Last evaluated: 2026-09-01. Review status: criteria provided, single submitter. Criteria: CeGaT Center For Human Genetics Tuebingen Variant Classification Criteria Version 2. Collection method: clinical testing. Allele origin: germline. Affected: yes. Observed: 16 variant alleles.
Comment: COL4A5: PM1:Strong, PP1:Strong, PM5, PS4:Moderate, PM2:Supporting, PP4

Institute of Human Genetics, Heidelberg University
Classification: Pathogenic for X-linked Alport syndrome. Last evaluated: 2026-07-22. Review status: criteria provided, single submitter. Criteria: ACMG Guidelines, 2015. Collection method: clinical testing. Allele origin: maternal. Affected: yes. Observed: 2 variant alleles.
Comment: PP1_STR, PM1, PM5, PP3_MOD, PM2_SUP, PP4

Centre de Génétique Humaine, Institut de Pathologie Et de Génétique
Classification: Pathogenic for X-linked Alport syndrome. Last evaluated: 2026-06-24. Review status: criteria provided, single submitter. Criteria: ACMG Guidelines, 2015. Collection method: clinical testing. Allele origin: germline, maternal, paternal. Inheritance: X-linked dominant inheritance. Affected: yes. Observed: 21 variant alleles, 10 heterozygotes, 11 hemizygotes. Clinical features observed: Stage 5 chronic kidney disease (HP:0003774), Simple renal cyst (HP:0012581), Microscopic hematuria (HP:0002907), Moderate albuminuria (HP:0012594), Hypertensive disorder (HP:0000822), Sensorineural hearing loss disorder (HP:0000407), Proteinuria (HP:0000093), Glomerular basement membrane lamellation (HP:0030034), Chronic kidney disease (HP:0012622), Stage 2 chronic kidney disease (HP:0012624), Severe albuminuria (HP:0033066), Stage 4 chronic kidney disease (HP:0012626), and 6 more. Segregation with disease observed.
Comment: This missense variant involves a highly conserved glycine located in a ‘Gly-X-Y’ motif in a non-collagenous/ collagenous boundary region (PM1,PP2). This variant is rare: allelic frequency of 0.0046% in gnomAD v4.1.0 database (PM2). In silico analysis supports that this missense variant has a deleterious effect (PP3). Functional in vitro studies of this variant showed: significant reduction of intracelular protein, PMID: 29142990 and a secretion-dependent defect in a trimer formation assay, PMID: 29526710 (PS3). Another missense variant affecting the same residue described as LP/P: c.1870G>T, p.Gly624Cys, PMID: 35020912 and ClinVar (PM5). Described as LP/P in several patients with X-linked AS with less sever phenotype (hypomorphic variant); founder effect in Polish families (PP5 strong)

Ambry Genetics
Classification: Pathogenic for Inborn genetic diseases. Last evaluated: 2026-05-11. Review status: criteria provided, single submitter. Criteria: Ambry Variant Classification Scheme 2023. Collection method: clinical testing. Allele origin: germline.
Comment: The c.1871G>A (p.G624D) alteration is located in exon 25 (coding exon 25) of the COL4A5 gene. This alteration results from a G to A substitution at nucleotide position 1871, causing the glycine (G) at amino acid position 624 to be replaced by an aspartic acid (D). Based on data from gnomAD, the A allele has an overall frequency of 0.009% (16/182998) total alleles studied. The highest observed frequency was 0.02% (16/81695) of European (non-Finnish) alleles. Based on data from gnomAD, the frequency for this variant is above the maximum credible frequency for a disease-causing variant in this gene based on internally established thresholds (Karczewski, 2020; Whiffin, 2017). This European founder variant is a common cause of mild COL4A5-related Alport syndrome. It was reported as heterozygous and hemizygous in individuals with features consistent with COL4A5-related Alport syndrome and segregated with disease in multiple families; in at least one affected female, it was reported as homozygous (Martin, 1998; Slajpah, 2007; Tan, 2010; Pierides, 2013; Weber, 2016; Macheroux, 2019; Frese, 2019; urowska, 2021; Kr&uuml;ger, 2025). Other variant(s) at the same codon, c.1870G>T (p.G624C), c.1871G>T (p.G624V), have been identified in individual(s) with features consistent with COL4A5-related Alport syndrome (Wang, 2021; Di, 2022). This amino acid position is highly conserved in available vertebrate species. The p.G624D amino acid is located within the triple-helical domain of the collagen alpha-5(IV) chain, and affects one of the highly conserved glycine residues in the Gly-X-Y motif that make up this domain (Ramshaw, 1998). This alteration is predicted to be deleterious by in silico analysis. Based on the available evidence, this alteration is classified as pathogenic.

Victorian Clinical Genetics Services, Murdoch Childrens Research Institute
Classification: Pathogenic for X-linked Alport syndrome. Last evaluated: 2026-04-23. Review status: criteria provided, single submitter. Criteria: ACMG Guidelines, 2015. Collection method: clinical testing. Allele origin: germline. Affected: yes.
Comment: This variant is classified as Pathogenic. Evidence in support of pathogenic classification: Variant is present in gnomAD (v4) <0.001 for a dominant condition (33 heterozygotes, 0 homozygotes, 23 hemizygotes); This variant has strong previous evidence of pathogenicity in unrelated individuals. It has been reported in several individuals with either Alport syndrome or benign familial haematuria. It is also described as a mild hypomorphic variant, explaining the phenotypic variability observed (VCGS cohort; ClinVar; PMID: 26809805); Variant is located in the well-established functional interruption of the triple helical domain (PMIDs: 21332469, 24470729); Missense variant consistently predicted to be damaging by multiple in silico tools or highly conserved with a major amino acid change. Additional information: Variant is predicted to result in a missense amino acid change from glycine to aspartic acid; This variant is heterozygous; This gene is associated with X-linked dominant disease. Males are typically more severely affected than females (PMID: 19965530); Dominant negative and loss of function are known mechanisms of disease in this gene and are associated with X-linked Alport syndrome 1 (MIM#301050). Dominant negative is caused mostly by glycine substitutions that affect the conformation of the protein, and loss of function can be caused by either protein truncating or missense variants (PMIDs: 24046192, 12028435); Variants in this gene are known to have variable expressivity. There is intrafamilial variability among affected carrier females, possibly due to variable X-inactivation (PMID: 14514738); Inheritance information for this variant is not currently available in this individual.

PreventionGenetics, part of Exact Sciences
Classification: Pathogenic for COL4A5-related condition. Last evaluated: 2026-03-25. Review status: criteria provided, single submitter. Criteria: ACMG Guidelines, 2015. Collection method: clinical testing. Allele origin: germline.
Comment: The COL4A5 c.1871G>A variant is predicted to result in the amino acid substitution p.Gly624Asp. The p.Gly624 residue is located in the Gly-Xaa-Yaa triple helical domain (residues 42 – 1456 of the COL4A5 protein). The majority of pathogenic variants in COL4A5 substitute a glycine residue to a bulkier amino acid in the triple-helical domain (Hudson et al. 1993. PubMed ID: 8253711). This variant has been reported in many individuals with COL4A5-related disorders and is typically associated with a milder clinical course; it has also been noted to segregate with disease in multiple families (Martin et al. 1998. PubMed ID: 9848783; Slajpah et al. 2007. PubMed ID: 17396119; Macheroux et al. 2019. PubMed ID: 31850286; Frese et al. 2019. PubMed ID: 30691124; Żurowska et al. 2020. PubMed ID: 33309955). The c.1871G>A is also reported as a founder variant in individuals from Central and East Europe (Żurowska et al. 2020. PubMed ID: 33309955). This variant is reported in 0.020% of alleles in individuals of European (non-Finnish) descent in gnomAD. This variant is interpreted as pathogenic.

Institute of Human Genetics, University of Leipzig Medical Center
Classification: Pathogenic for X-linked Alport syndrome. Last evaluated: 2026-03-09. Review status: criteria provided, single submitter. Criteria: ACMG Guidelines, 2015. Collection method: clinical testing. Allele origin: paternal. Inheritance: X-linked recessive inheritance. Affected: yes.
Comment: Criteria applied: PS4,PM1_STR,PM5,PP3

NM_033380.3(COL4A5):c.1871G>A (p.Gly624Asp)

Gene: COL4A5 (collagen type IV alpha 5 chain; plus strand). Cytogenetic location: Xq22.3.
Variant type: single nucleotide variant.
Coding change: c.1871G>A on transcript NM_033380.3 (MANE Select); coding-DNA position 1871, G replaced by A.
Protein change: p.Gly624Asp; replaces glycine 624 with aspartic acid.
Molecular consequence: missense variant.
Genome position (GRCh38, 1-based): chrX:108,598,793, G>A. VCF-style: chrX-108598793-G-A. GRCh37 (hg19) VCF-style: chrX-107842023-G-A.
Other names: p.(Gly624Asp); c.1871G>A, p.Gly624Asp (NM_000495.5); short protein forms G624D.
Identifiers: ClinVar variation 24455 (VCV000024455.121), dbSNP rs104886142, ClinGen allele CA258560.